The following is an entry in ClinVar:

NM_032380.5(GFM2):c.43A>G (p.Ile15Val)

Gene: GFM2 (GTP dependent ribosome recycling factor mitochondrial GFM2; minus strand). Cytogenetic location: 5q13.3.
Variant type: single nucleotide variant.
Coding change: c.43A>G on transcript NM_032380.5 (MANE Select); coding-DNA position 43, A replaced by G.
Protein change: p.Ile15Val; replaces isoleucine 15 with valine.
Molecular consequence: missense variant. On other transcripts: non-coding transcript variant (1).
Genome position (GRCh38, 1-based): chr5:74,763,700, T>C on the plus strand (A>G on the coding strand, the complement: GFM2 is on the minus strand). VCF-style: chr5-74763700-T-C. GRCh37 (hg19) VCF-style: chr5-74059525-T-C.
Other names: p.I15V:ATA>GTA; c.139A>G, p.Ile47Val (NM_001281302.2); c.43A>G, p.Ile15Val (NM_170681.3, NM_170691.3); short protein forms I15V, I47V.
Identifiers: ClinVar variation 137478 (VCV000137478.37), dbSNP rs79992455, ClinGen allele CA291083.

ClinVar aggregate classification (germline): Benign/Likely benign. Review status: criteria provided, multiple submitters, no conflicts (2 of 4 stars). 5 submissions from 5 submitters: Benign (4); Likely benign (1). Last evaluated 2026-09-01.

Conditions:
Combined oxidative phosphorylation deficiency 39. Identifiers: Orphanet 565624, MedGen C5193075, MONDO:0032726, OMIM 618397.

Allele frequency attached by ClinVar (database versions not stated): 1000 Genomes Project 30x 0.00500; 1000 Genomes Project 0.00559; TOPMed 0.00645; ESP Exome Variant Server 0.00784; gnomAD 0.00799 and 0.00818; ExAC 0.00827; gnomAD exomes 0.00827 and 0.01012.
gnomAD v4.1: 15,658 of 1,593,216 alleles (0.98%); highest among the groups gnomAD compares: Non-Finnish European, 1.1%; 116 homozygotes.

Submissions (5):

CeGaT Center for Human Genetics Tuebingen
Classification: Benign. Last evaluated: 2026-09-01. Review status: criteria provided, single submitter. Criteria: CeGaT Center For Human Genetics Tuebingen Variant Classification Criteria Version 2. Collection method: clinical testing. Allele origin: germline. Affected: yes. Observed: 31 variant alleles.
Comment: GFM2: BP4, BS1, BS2

Labcorp Genetics (formerly Invitae), Labcorp
Classification: Benign. Last evaluated: 2026-02-01. Review status: criteria provided, single submitter. Criteria: Invitae Variant Classification Sherloc (09022015). Collection method: clinical testing. Allele origin: germline.

Fulgent Genetics
Classification: Likely benign for Combined oxidative phosphorylation deficiency 39. Last evaluated: 2022-03-02. Review status: criteria provided, single submitter. Criteria: ACMG Guidelines, 2015. Collection method: clinical testing. Allele origin: unknown.

GeneDx
Classification: Benign. Last evaluated: 2013-12-09. Review status: criteria provided, single submitter. Criteria: GeneDx Variant Classification (06012015). Collection method: clinical testing. Allele origin: germline. Affected: yes.
Comment: This variant is considered likely benign or benign based on one or more of the following criteria: it is a conservative change, it occurs at a poorly conserved position in the protein, it is predicted to be benign by multiple in silico algorithms, and/or has population frequency not consistent with disease.

Breakthrough Genomics
Classification: Benign. Review status: criteria provided, single submitter. Criteria: ACMG Guidelines, 2015. Collection method: not provided. Allele origin: germline. Inheritance: Autosomal recessive inheritance. Affected: yes.